The following is an entry in ClinVar:

ClinVar aggregate classification (germline): Uncertain significance (1 of 4 stars; one submission).

Conditions:
Desmin-related myofibrillar myopathy (MFM1). Also called: Myofibrillar myopathy 1; Desminopathy; Desmin related myopathy (former name); Desmin storage myopathy (former name); MYOFIBRILLAR MYOPATHY WITH ARRHYTHMOGENIC RIGHT VENTRICULAR CARDIOMYOPATHY; DESMIN-RELATED MYOPATHY WITH ARRHYTHMOGENIC RIGHT VENTRICULAR CARDIOMYOPATHY. Identifiers: Orphanet 363543, Orphanet 98909, MedGen C1832370, MONDO:0011076, OMIM 601419.

Allele frequency attached by ClinVar (database versions not stated): gnomAD exomes below 0.00001.

Submission:

Labcorp Genetics (formerly Invitae), Labcorp
Classification: Uncertain significance for Desmin-related myofibrillar myopathy. Last evaluated: 2021-05-17. Review status: criteria provided, single submitter. Criteria: Invitae Variant Classification Sherloc (09022015). Collection method: clinical testing. Allele origin: germline.
Comment: In summary, the available evidence is currently insufficient to determine the role of this variant in disease. Therefore, it has been classified as a Variant of Uncertain Significance. Algorithms developed to predict the effect of missense changes on protein structure and function are either unavailable or do not agree on the potential impact of this missense change (SIFT: "Tolerated"; PolyPhen-2: "Probably Damaging"; Align-GVGD: "Class C0"). This variant has not been reported in the literature in individuals with DES-related conditions. This variant is not present in population databases (ExAC no frequency). This sequence change replaces glutamine with leucine at codon 348 of the DES protein (p.Gln348Leu). The glutamine residue is highly conserved and there is a moderate physicochemical difference between glutamine and leucine.

NM_001927.4(DES):c.1043A>T (p.Gln348Leu)

Gene: DES (desmin; plus strand). Cytogenetic location: 2q35.
Variant type: single nucleotide variant.
Coding change: c.1043A>T on transcript NM_001927.4 (MANE Select); coding-DNA position 1043, A replaced by T.
Protein change: p.Gln348Leu; replaces glutamine 348 with leucine.
Molecular consequence: missense variant. On other transcripts: splice acceptor variant (1), intron variant (2).
Genome position (GRCh38, 1-based): chr2:219,421,359, A>T. VCF-style: chr2-219421359-A-T. GRCh37 (hg19) VCF-style: chr2-220286081-A-T.
Other names: c.1040A>T, p.Gln347Leu (NM_001382708.1); c.1043A>T, p.Gln348Leu (NM_001382712.1); c.773A>T, p.Gln258Leu (NM_001382713.1); c.1024-2A>T (NM_001382711.1); c.1024-50A>T (NM_001382710.1); c.736-125A>T (NM_001382709.1); short protein forms Q348L, Q258L, Q347L.
Identifiers: ClinVar variation 1401395 (VCV001401395.8), dbSNP rs1411703397, ClinGen allele CA350693789.
Genomic context (GRCh38, chr2:219,421,359, plus strand): 5'-TCCTCTTCCCTTCCTTGACCTGGGTTCCCCCTCTCCTGCAGAACGATTCCCTGATGAGGC[A>T]GATGCGGGAATTGGAGGACCGATTTGCCAGTGAGGCCAGTGGCTACCAGGACAACATTGC-3'
Protein context (NP_001918.3, residues 338-358): LKGTNDSLMR[Gln348Leu]MRELEDRFAS